The following is an entry in ClinVar:

NM_030665.4(RAI1):c.600del (p.Leu201fs)

Gene: RAI1 (retinoic acid induced 1; plus strand). Cytogenetic location: 17p11.2.
Variant type: Deletion.
Coding change: c.600del on transcript NM_030665.4 (MANE Select); coding-DNA position 600, one base deleted (T; older notation c.600delT).
Protein change: p.Leu201fs; shifts the reading frame from leucine 201.
Molecular consequence: frameshift variant.
Genome position (GRCh38, 1-based): chr17:17,793,548, T deleted. VCF-style (leftmost placement, unchanged base first): chr17-17793547-CT-C. GRCh37 (hg19) VCF-style: chr17-17696861-CT-C.
Other names: c.600delT (NM_030665.4); short protein forms L201fs.
Identifiers: ClinVar variation 3068702 (VCV003068702.1), dbSNP rs2508569771, ClinGen allele CA2695201647.

ClinVar aggregate classification (germline): Likely pathogenic (1 of 4 stars; one submission).

Conditions:
Syndromic intellectual disability. Also called: Intellectual disability syndrome. Identifiers: Orphanet 183763, MedGen C5680525, MONDO:0000508.

Submission:

Molecular Genetics, Royal Melbourne Hospital
Classification: Likely pathogenic for Syndromic intellectual disability. Last evaluated: 2023-11-05. Review status: criteria provided, single submitter. Criteria: ACMG Guidelines, 2015. Collection method: clinical testing. Allele origin: germline. Inheritance: Autosomal dominant inheritance. Affected: yes.
Comment: This sequence change in RAI1 is a frameshift variant predicted to cause a premature stop codon, p.(Leu201Cysfs*51), in biologically relevant exon 3/6 leading to nonsense-mediated decay in a gene in which loss-of-function is an established disease mechanism. This variant is absent from the population database gnomAD v2.1 and v3.1. To our knowledge, this variant is novel and has not been previously reported in the relevant scientific literature or databases. Based on the classification scheme RMH Modified ACMG/AMP Guidelines v1.6.1, this variant is classified as LIKELY PATHOGENIC. Following criteria are met: PVS1, PM2_Supporting.